The following is an entry in ClinVar:

NM_138694.4(PKHD1):c.6753C>T (p.Gly2251=)

Gene: PKHD1 (PKHD1 ciliary IPT domain containing fibrocystin/polyductin; minus strand). Cytogenetic location: 6p12.2.
Variant type: single nucleotide variant.
Coding change: c.6753C>T on transcript NM_138694.4 (MANE Select); coding-DNA position 6753, C replaced by T.
Protein change: p.Gly2251=; no amino-acid change (glycine 2251 retained).
Molecular consequence: synonymous variant.
Genome position (GRCh38, 1-based): chr6:51,906,270, G>A on the plus strand (C>T on the coding strand, the complement: PKHD1 is on the minus strand). VCF-style: chr6-51906270-G-A. GRCh37 (hg19) VCF-style: chr6-51771068-G-A.
Other names: c.6753C>T, p.Gly2251= (NM_170724.3); c.6753C>T (NM_138694.3).
Identifiers: ClinVar variation 1137428 (VCV001137428.10), dbSNP rs1298717679, ClinGen allele CA450415456.
Genomic context (GRCh38, chr6:51,906,270, plus strand): 5'-CTTACCAACTAGCAGCGCATGACCTAAAATATTGTAGAATACATTACTGTCCACCTTCAG[G>A]CCCAAGGTCCCGCACATGCTGAGGCCTCTACTGAAGGAGTTCCTCACTGTGCAGCCCTGT-3'
Protein context (NP_619639.3, residues 2241-2261): SRGLSMCGTL[Gly2251=]LKVDSNVFYN

ClinVar aggregate classification (germline): Likely benign. Review status: criteria provided, multiple submitters, no conflicts (2 of 4 stars). 2 submissions from 2 submitters: Likely benign (2). Last evaluated 2026-07-20.

Conditions:
PKHD1-related disorder. Also called: PKHD1-related condition.
Autosomal recessive polycystic kidney disease (ARPKD). Also called: AR polycystic kidney disease. Identifiers: Orphanet 731, Orphanet 8378, MedGen C0085548, MeSH D017044, MONDO:0009889.

Allele frequency attached by ClinVar (database versions not stated): gnomAD exomes below 0.00001; gnomAD 0.00001; TOPMed 0.00001.
gnomAD v4.1: 4 of 1,610,120 alleles (0.00025%); highest among the groups gnomAD compares: Admixed American, 0.005%; no homozygotes.

Submissions (2):

PreventionGenetics, part of Exact Sciences
Classification: Likely benign for PKHD1-related condition. Last evaluated: 2026-07-20. Review status: criteria provided, single submitter. Criteria: ACMG Guidelines, 2015. Collection method: clinical testing. Allele origin: germline.
Comment: This variant is classified as likely benign based on ACMG/AMP sequence variant interpretation guidelines (Richards et al. 2015 PMID: 25741868, with internal and published modifications).

Labcorp Genetics (formerly Invitae), Labcorp
Classification: Likely benign for Autosomal recessive polycystic kidney disease. Last evaluated: 2025-09-09. Review status: criteria provided, single submitter. Criteria: Invitae Variant Classification Sherloc (09022015). Collection method: clinical testing. Allele origin: germline.